The following is an entry in ClinVar:

ClinVar aggregate classification (germline): Likely pathogenic (1 of 4 stars; one submission).

Conditions:
Primary ciliary dyskinesia 3. Identifiers: Orphanet 244, MedGen C1837618, MONDO:0012085, OMIM 608644.

Submission:

Myriad Genetics, Inc.
Classification: Likely pathogenic for Primary ciliary dyskinesia 3. Last evaluated: 2021-12-16. Review status: criteria provided, single submitter. Criteria: Myriad Women's Health Autosomal Recessive and X-Linked Classification Criteria (2021). Collection method: clinical testing. Allele origin: unknown.
Comment: NM_001369.2(DNAH5):c.4814_4817del4ins18(K1605Tfs*27) is expected to be pathogenic in the context of DNAH5-related primary ciliary dyskinesia. This variant is predicted to lead to an abnormal or absent protein product due to the creation of a premature termination codon in DNAH5, a gene where loss-of-function variants are known to be pathogenic. Please note: this variant was assessed in the context of healthy population screening.

NM_001369.3(DNAH5):c.4814_4817delinsCAGGTTTTGCACCGTCAT (p.Lys1605fs)

Genes: DNAH5 (dynein axonemal heavy chain 5; minus strand), LOC126807318 (MED14-independent group 3 enhancer GRCh37_chr5:13858976-13860175; plus strand). Cytogenetic location: 5p15.2.
Variant type: Indel.
Coding change: c.4814_4817delinsCAGGTTTTGCACCGTCAT on transcript NM_001369.3 (MANE Select); coding-DNA positions 4814 to 4817, AAGC replaced by CAGGTTTTGCACCGTCAT.
Protein change: p.Lys1605fs; shifts the reading frame from lysine 1605.
Molecular consequence: frameshift variant.
Genome position (GRCh38, 1-based): chr5:13,859,585-13,859,588, GCTT replaced by ATGACGGTGCAAAACCTG on the plus strand (AAGC replaced by CAGGTTTTGCACCGTCAT on the coding strand, the reverse complement: DNAH5 is on the minus strand). VCF-style: chr5-13859585-GCTT-ATGACGGTGCAAAACCTG. GRCh37 (hg19) VCF-style: chr5-13859694-GCTT-ATGACGGTGCAAAACCTG.
Other names: short protein forms K1605fs.
Identifiers: ClinVar variation 1726317 (VCV001726317.2), dbSNP rs2546965841, ClinGen allele CA2580072057.